The following is an entry in ClinVar:

ClinVar aggregate classification (germline): Likely pathogenic (1 of 4 stars; one submission).

Conditions:
Brain small vessel disease 1 with or without ocular anomalies (BSVD1). Also called: PORENCEPHALY, TYPE 1, AUTOSOMAL DOMINANT; GOULD SYNDROME 1; Brain small vessel disease with or without ocular anomalies; BRAIN SMALL VESSEL DISEASE WITH HEMORRHAGE. Identifiers: Orphanet 2940, Orphanet 36383, Orphanet 99810, MedGen C4755307, MONDO:0008289, OMIM 175780.

Submission:

Institute of Human Genetics, Heidelberg University
Classification: Likely pathogenic for Brain small vessel disease 1 with or without ocular anomalies. Last evaluated: 2025-10-01. Review status: criteria provided, single submitter. Criteria: ACMG Guidelines, 2015. Collection method: clinical testing. Allele origin: paternal. Observed: 2 variant alleles.
Comment: PP3_strong, PM1, PM2_supp

NM_001845.6(COL4A1):c.3877G>A (p.Gly1293Ser)

Gene: COL4A1 (collagen type IV alpha 1 chain; minus strand). Cytogenetic location: 13q34.
Variant type: single nucleotide variant.
Coding change: c.3877G>A on transcript NM_001845.6 (MANE Select); coding-DNA position 3877, G replaced by A.
Protein change: p.Gly1293Ser; replaces glycine 1293 with serine.
Molecular consequence: missense variant.
Genome position (GRCh38, 1-based): chr13:110,167,230, C>T on the plus strand (G>A on the coding strand, the complement: COL4A1 is on the minus strand). VCF-style: chr13-110167230-C-T. GRCh37 (hg19) VCF-style: chr13-110819577-C-T.
Other names: short protein forms G1293S.
Identifiers: ClinVar variation 4294306 (VCV004294306.1).